The following is an entry in ClinVar:

ClinVar aggregate classification (germline): Uncertain significance. Review status: criteria provided, single submitter (1 of 4 stars). 2 submissions from 1 submitter: Uncertain significance (1). 1 of the submissions does not count toward it. Last evaluated 2022-10-03.

Conditions:
Malignant hyperthermia, susceptibility to, 5 (MHS5). Also called: CACNA1S-Related Malignant Hyperthermia Susceptibility. Identifiers: Orphanet 423, MedGen C1866077, MONDO:0011163, OMIM 601887.
Hypokalemic periodic paralysis, type 1. Also called: HypoPP; Hypokalemic Periodic Paralysis Type 1 (AD). Identifiers: Orphanet 681, MedGen C3714580, MONDO:0042979, OMIM 170400.

Submissions (2):

Labcorp Genetics (formerly Invitae), Labcorp
Classification: Uncertain significance. Last evaluated: 2022-10-03. Review status: criteria provided, single submitter. Criteria: Invitae Variant Classification Sherloc (09022015). Collection method: clinical testing. Allele origin: germline.
Comment: A copy number gain of the genomic region encompassing the full coding sequence of the SYT2 gene has been identified. The boundaries of this event are unknown as they extend beyond the assayed region for this gene and therefore may encompass additional genes. As the precise location of this event is unknown, it may be in tandem or it may be located elsewhere in the genome. This variant has not been reported in the literature in individuals affected with SYT2-related conditions. In summary, the available evidence is currently insufficient to determine the role of this variant in disease. Therefore, it has been classified as a Variant of Uncertain Significance.

Labcorp Genetics (formerly Invitae), Labcorp
Classification: Uncertain significance for Hypokalemic periodic paralysis, type 1; Malignant hyperthermia, susceptibility to, 5. Last evaluated: 2022-10-03. Review status: flagged submission. Criteria: Invitae Variant Classification Sherloc (09022015). Collection method: clinical testing. Allele origin: germline. Not counted in ClinVar's aggregate classification.
Comment: A copy number gain of the genomic region encompassing the full coding sequence of the CACNA1S gene has been identified. The boundaries of this event are unknown as they extend beyond the assayed region for this gene and therefore may encompass additional genes. As the precise location of this event is unknown, it may be in tandem or it may be located elsewhere in the genome. This variant has not been reported in the literature in individuals affected with CACNA1S-related conditions. In summary, the available evidence is currently insufficient to determine the role of this variant in disease. Therefore, it has been classified as a Variant of Uncertain Significance.
ClinVar note: Reason: This record appears to be redundant with a more recent record from the same submitter.
ClinVar note: Notes: SCV003790205 appears to be redundant with SCV003796974.

NC_000001.10:g.(?_200522516)_(208391267_?)dup

Genes: ADIPOR1 (adiponectin receptor 1; minus strand), ADORA1 (adenosine A1 receptor; plus strand), ARL8A (ARF like GTPase 8A; minus strand), ASCL5 (achaete-scute family bHLH transcription factor 5; minus strand), ATP2B4 (ATPase plasma membrane Ca2+ transporting 4; plus strand) and 107 more. Cytogenetic location: 1q32.1-32.2.
Variant type: Duplication.
Identifiers: ClinVar variation 2422293 (VCV002422293.5).